The following is an entry in ClinVar:

NM_206933.4(USH2A):c.10866G>C (p.Glu3622Asp)

Gene: USH2A (usherin; minus strand). Cytogenetic location: 1q41.
Variant type: single nucleotide variant.
Coding change: c.10866G>C on transcript NM_206933.4 (MANE Select); coding-DNA position 10866, G replaced by C.
Protein change: p.Glu3622Asp; replaces glutamic acid 3622 with aspartic acid.
Molecular consequence: missense variant.
Genome position (GRCh38, 1-based): chr1:215,779,916, C>G on the plus strand (G>C on the coding strand, the complement: USH2A is on the minus strand). VCF-style: chr1-215779916-C-G. GRCh37 (hg19) VCF-style: chr1-215953258-C-G.
Other names: short protein forms E3622D.
Identifiers: ClinVar variation 1009125 (VCV001009125.6), dbSNP rs749941664, ClinGen allele CA1393902.

ClinVar aggregate classification (germline): Uncertain significance (1 of 4 stars; one submission).

Allele frequency attached by ClinVar (database versions not stated): TOPMed below 0.00001.
gnomAD v4.1: 1 of 1,614,126 alleles (0.000062%); highest among the groups gnomAD compares: Non-Finnish European, 0.000085%; no homozygotes.

Submission:

Labcorp Genetics (formerly Invitae), Labcorp
Classification: Uncertain significance. Last evaluated: 2021-08-30. Review status: criteria provided, single submitter. Criteria: Invitae Variant Classification Sherloc (09022015). Collection method: clinical testing. Allele origin: germline.
Comment: This sequence change replaces glutamic acid with aspartic acid at codon 3622 of the USH2A protein (p.Glu3622Asp). The glutamic acid residue is highly conserved and there is a small physicochemical difference between glutamic acid and aspartic acid. This variant is present in population databases (rs749941664, ExAC 0.001%). This variant has not been reported in the literature in individuals affected with USH2A-related conditions. Algorithms developed to predict the effect of missense changes on protein structure and function are either unavailable or do not agree on the potential impact of this missense change (SIFT: "Tolerated"; PolyPhen-2: "Possibly Damaging"; Align-GVGD: "Class C0"). In summary, the available evidence is currently insufficient to determine the role of this variant in disease. Therefore, it has been classified as a Variant of Uncertain Significance.